The following is an entry in ClinVar:

ClinVar aggregate classification (germline): Uncertain significance (1 of 4 stars; one submission).

Submission:

Labcorp Genetics (formerly Invitae), Labcorp
Classification: Uncertain significance. Last evaluated: 2025-10-01. Review status: criteria provided, single submitter. Criteria: Invitae Variant Classification Sherloc (09022015). Collection method: clinical testing. Allele origin: germline.
Comment: This sequence change falls in intron 1 of the RP2 gene. It does not directly change the encoded amino acid sequence of the RP2 protein. It affects a nucleotide within the consensus splice site. This variant is not present in population databases (gnomAD no frequency). This variant has been observed in individual(s) with retinitis pigmentosa (PMID: 11992260). This variant is also known as IVS1+3A>G. ClinVar contains an entry for this variant (Variation ID: 3724227). Variants that disrupt the consensus splice site are a relatively common cause of aberrant splicing (PMID: 17576681, 9536098). Algorithms developed to predict the effect of sequence changes on RNA splicing suggest that this variant may disrupt the consensus splice site. In summary, the available evidence is currently insufficient to determine the role of this variant in disease. Therefore, it has been classified as a Variant of Uncertain Significance.

Literature cited by the submitters: PubMed 11992260; PubMed 17576681; PubMed 9536098.

NM_006915.3(RP2):c.102+3A>G

Gene: RP2 (RP2 activator of ARL3 GTPase; plus strand). Cytogenetic location: Xp11.3.
Variant type: single nucleotide variant.
Coding change: c.102+3A>G on transcript NM_006915.3 (MANE Select); 3 bases into the intron after coding-DNA position 102, A replaced by G.
Molecular consequence: intron variant.
Genome position (GRCh38, 1-based): chrX:46,837,205, A>G. VCF-style: chrX-46837205-A-G. GRCh37 (hg19) VCF-style: chrX-46696640-A-G.
Identifiers: ClinVar variation 3724227 (VCV003724227.2).